The following is an entry in ClinVar:

NM_014727.3(KMT2B):c.1807A>T (p.Ile603Phe)

Gene: KMT2B (lysine methyltransferase 2B; plus strand). Cytogenetic location: 19q13.12.
Variant type: single nucleotide variant.
Coding change: c.1807A>T on transcript NM_014727.3 (MANE Select); coding-DNA position 1807, A replaced by T.
Protein change: p.Ile603Phe; replaces isoleucine 603 with phenylalanine.
Molecular consequence: missense variant.
Genome position (GRCh38, 1-based): chr19:35,721,154, A>T. VCF-style: chr19-35721154-A-T. GRCh37 (hg19) VCF-style: chr19-36212056-A-T.
Other names: short protein forms I603F.
Identifiers: ClinVar variation 2777730 (VCV002777730.3), dbSNP rs372702715, ClinGen allele CA307783236.

ClinVar aggregate classification (germline): Uncertain significance (1 of 4 stars; one submission).

Allele frequency attached by ClinVar (database versions not stated): gnomAD 0.00001; TOPMed 0.00002; ESP Exome Variant Server 0.00008.
gnomAD v4.1: 9 of 1,587,148 alleles (0.00057%); highest among the groups gnomAD compares: Non-Finnish European, 0.00077%; no homozygotes.

Submission:

Labcorp Genetics (formerly Invitae), Labcorp
Classification: Uncertain significance. Last evaluated: 2023-08-08. Review status: criteria provided, single submitter. Criteria: Invitae Variant Classification Sherloc (09022015). Collection method: clinical testing. Allele origin: germline.
Comment: This variant has not been reported in the literature in individuals affected with KMT2B-related conditions. The frequency data for this variant in the population databases is considered unreliable, as metrics indicate poor data quality at this position in the gnomAD database. This sequence change replaces isoleucine, which is neutral and non-polar, with phenylalanine, which is neutral and non-polar, at codon 603 of the KMT2B protein (p.Ile603Phe). Advanced modeling of protein sequence and biophysical properties (such as structural, functional, and spatial information, amino acid conservation, physicochemical variation, residue mobility, and thermodynamic stability) has been performed at Invitae for this missense variant, however the output from this modeling did not meet the statistical confidence thresholds required to predict the impact of this variant on KMT2B protein function. In summary, the available evidence is currently insufficient to determine the role of this variant in disease. Therefore, it has been classified as a Variant of Uncertain Significance.